The following is an entry in ClinVar:

ClinVar aggregate classification (germline): Uncertain significance (1 of 4 stars; one submission).

Allele frequency attached by ClinVar (database versions not stated): ExAC 0.00002; gnomAD exomes 0.00002.
gnomAD v4.1: 19 of 1,611,758 alleles (0.0012%); highest among the groups gnomAD compares: South Asian, 0.0022%; no homozygotes.

Submission:

Labcorp Genetics (formerly Invitae), Labcorp
Classification: Uncertain significance. Last evaluated: 2022-11-21. Review status: criteria provided, single submitter. Criteria: Invitae Variant Classification Sherloc (09022015). Collection method: clinical testing. Allele origin: germline.
Comment: This variant has not been reported in the literature in individuals affected with MTPAP-related conditions. This variant is present in population databases (rs746887384, gnomAD 0.003%). This sequence change falls in intron 7 of the MTPAP gene. It does not directly change the encoded amino acid sequence of the MTPAP protein. It affects a nucleotide within the consensus splice site. In summary, the available evidence is currently insufficient to determine the role of this variant in disease. Therefore, it has been classified as a Variant of Uncertain Significance. Variants that disrupt the consensus splice site are a relatively common cause of aberrant splicing (PMID: 17576681, 9536098). Algorithms developed to predict the effect of sequence changes on RNA splicing suggest that this variant may disrupt the consensus splice site. ClinVar contains an entry for this variant (Variation ID: 1364677).

Literature cited by the submitters: PubMed 17576681; PubMed 9536098.

NM_018109.4(MTPAP):c.1312+5G>C

Gene: MTPAP (mitochondrial poly(A) polymerase; minus strand). Cytogenetic location: 10p11.23.
Variant type: single nucleotide variant.
Coding change: c.1312+5G>C on transcript NM_018109.4 (MANE Select); 5 bases into the intron after coding-DNA position 1312, G replaced by C.
Molecular consequence: intron variant.
Genome position (GRCh38, 1-based): chr10:30,316,113, C>G on the plus strand (G>C on the coding strand, the complement: MTPAP is on the minus strand). VCF-style: chr10-30316113-C-G. GRCh37 (hg19) VCF-style: chr10-30605042-C-G.
Identifiers: ClinVar variation 1364677 (VCV001364677.4), dbSNP rs746887384, ClinGen allele CA5458989.